The following is an entry in ClinVar:

NM_145331.3(MAP3K7):c.43G>T (p.Ala15Ser)

Gene: MAP3K7 (mitogen-activated protein kinase kinase kinase 7; minus strand). Cytogenetic location: 6q15.
Variant type: single nucleotide variant.
Coding change: c.43G>T on transcript NM_145331.3 (MANE Select); coding-DNA position 43, G replaced by T.
Protein change: p.Ala15Ser; replaces alanine 15 with serine.
Molecular consequence: missense variant.
Genome position (GRCh38, 1-based): chr6:90,586,841, C>A on the plus strand (G>T on the coding strand, the complement: MAP3K7 is on the minus strand). VCF-style: chr6-90586841-C-A. GRCh37 (hg19) VCF-style: chr6-91296560-C-A.
Other names: c.43G>T, p.Ala15Ser (NM_003188.4, NM_145332.3, NM_145333.3); short protein forms A15S.
Identifiers: ClinVar variation 1044989 (VCV001044989.8), dbSNP rs772116030, ClinGen allele CA3928778.

ClinVar aggregate classification (germline): Uncertain significance (1 of 4 stars; one submission).

Allele frequency attached by ClinVar (database versions not stated): gnomAD exomes 0.00001; ExAC 0.00002; gnomAD 0.00003; TOPMed 0.00003.
gnomAD v4.1: 17 of 1,610,836 alleles (0.0011%); highest among the groups gnomAD compares: African/African-American, 0.023%; no homozygotes.

Submission:

Labcorp Genetics (formerly Invitae), Labcorp
Classification: Uncertain significance. Last evaluated: 2023-08-30. Review status: criteria provided, single submitter. Criteria: Invitae Variant Classification Sherloc (09022015). Collection method: clinical testing. Allele origin: germline.
Comment: This variant has not been reported in the literature in individuals affected with MAP3K7-related conditions. In summary, the available evidence is currently insufficient to determine the role of this variant in disease. Therefore, it has been classified as a Variant of Uncertain Significance. Experimental studies and prediction algorithms are not available or were not evaluated, and the functional significance of this variant is currently unknown. ClinVar contains an entry for this variant (Variation ID: 1044989). This variant is present in population databases (rs772116030, gnomAD 0.02%). This sequence change replaces alanine, which is neutral and non-polar, with serine, which is neutral and polar, at codon 15 of the MAP3K7 protein (p.Ala15Ser).